The following is an entry in ClinVar:

NM_144508.5(KNL1):c.6381G>A (p.Thr2127=)

Gene: KNL1 (kinetochore scaffold 1; plus strand). Cytogenetic location: 15q15.1.
Variant type: single nucleotide variant.
Coding change: c.6381G>A on transcript NM_144508.5 (MANE Select); coding-DNA position 6381, G replaced by A.
Protein change: p.Thr2127=; no amino-acid change (threonine 2127 retained).
Molecular consequence: synonymous variant.
Genome position (GRCh38, 1-based): chr15:40,652,071, G>A. VCF-style: chr15-40652071-G-A. GRCh37 (hg19) VCF-style: chr15-40944269-G-A.
Other names: c.6459G>A, p.Thr2153= (NM_170589.5).
Identifiers: ClinVar variation 738889 (VCV000738889.7), dbSNP rs781560747, ClinGen allele CA7483696.

ClinVar aggregate classification (germline): Benign/Likely benign. Review status: criteria provided, multiple submitters, no conflicts (2 of 4 stars). 2 submissions from 2 submitters: Benign (1); Likely benign (1). Last evaluated 2026-09-01.

Allele frequency attached by ClinVar (database versions not stated): gnomAD 0.00009; ExAC 0.00027; TOPMed 0.00027; gnomAD exomes 0.00030.
gnomAD v4.1: 105 of 1,613,450 alleles (0.0065%); highest among the groups gnomAD compares: Admixed American, 0.16%; no homozygotes.

Submissions (2):

CeGaT Center for Human Genetics Tuebingen
Classification: Likely benign. Last evaluated: 2026-09-01. Review status: criteria provided, single submitter. Criteria: CeGaT Center For Human Genetics Tuebingen Variant Classification Criteria Version 2. Collection method: clinical testing. Allele origin: germline. Affected: yes. Observed: 3 variant alleles.
Comment: KNL1: BP4, BP7

Labcorp Genetics (formerly Invitae), Labcorp
Classification: Benign. Last evaluated: 2018-06-04. Review status: criteria provided, single submitter. Criteria: Invitae Variant Classification Sherloc (09022015). Collection method: clinical testing. Allele origin: germline.